The following is an entry in ClinVar:

ClinVar aggregate classification (germline): Likely benign (1 of 4 stars; one submission).

Submission:

CeGaT Center for Human Genetics Tuebingen
Classification: Likely benign. Last evaluated: 2023-05-01. Review status: criteria provided, single submitter. Criteria: CeGaT Center For Human Genetics Tuebingen Variant Classification Criteria Version 2. Collection method: clinical testing. Allele origin: germline. Affected: yes. Observed: 9 variant alleles.
Comment: ANKH: BS2

NM_054027.6(ANKH):c.-291CCG[8]

Gene: ANKH (ANKH inorganic pyrophosphate transport regulator; minus strand). Cytogenetic location: 5p15.2.
Variant type: Microsatellite.
Coding change: c.-291CCG[8] on transcript NM_054027.6 (MANE Select); eight copies in a row of the 3-base unit CCG starting at c.-291; the reference has seven copies in a row; one copy, 3 bases duplicated.
Molecular consequence: 5 prime UTR variant.
Genome position (GRCh38, 1-based): chr5:14,871,718-14,871,720, CGG duplicated on the plus strand (CCG on the coding strand, the reverse complement: ANKH is on the minus strand); duplicating any 3 consecutive bases within chr5:14,871,718-14,871,739 gives the same sequence; the position shown is the placement nearest the transcript's 3' end. VCF-style (leftmost placement, unchanged base first): chr5-14871717-A-ACGG. GRCh37 (hg19) VCF-style: chr5-14871826-A-ACGG.
Identifiers: ClinVar variation 351932 (VCV000351932.29), dbSNP rs531421951, ClinGen allele CA10619365.
Genomic context (GRCh38, chr5:14,871,717, plus strand): 5'-AAGTCCATCCCTGCTGCCCTCCCACACAACAAAGATCTGCCGGGAAAAAAAAGAGGAGGG[A>ACGG]CGGCGGCGGCGGCGGCGGCGGCAGAAGGTTCTGCTGACAGCGGCTCCATTATAAGCGCTC-3'